The following is an entry in ClinVar:

NM_004612.4(TGFBR1):c.1093A>G (p.Ile365Val)

Gene: TGFBR1 (transforming growth factor beta receptor 1; plus strand). Cytogenetic location: 9q22.33.
Variant type: single nucleotide variant.
Coding change: c.1093A>G on transcript NM_004612.4 (MANE Select); coding-DNA position 1093, A replaced by G.
Protein change: p.Ile365Val; replaces isoleucine 365 with valine.
Molecular consequence: missense variant.
Genome position (GRCh38, 1-based): chr9:99,144,851, A>G. VCF-style: chr9-99144851-A-G. GRCh37 (hg19) VCF-style: chr9-101907133-A-G.
Other names: p.I365V:ATT>GTT; c.862A>G, p.Ile288Val (NM_001130916.3); c.1105A>G, p.Ile369Val (NM_001306210.2); short protein forms I365V, I288V, I369V.
Identifiers: ClinVar variation 213888 (VCV000213888.3), dbSNP rs863223823, ClinGen allele CA324194.

ClinVar aggregate classification (germline): Uncertain significance (1 of 4 stars; one submission).

Submission:

GeneDx
Classification: Uncertain significance. Last evaluated: 2020-10-15. Review status: criteria provided, single submitter. Criteria: GeneDx Variant Classification Process June 2021. Collection method: clinical testing. Allele origin: germline. Affected: yes.
Comment: Has not been previously published as pathogenic or benign to our knowledge; Not observed in large population cohorts (Lek et al., 2016); In silico analysis supports that this missense variant does not alter protein structure/function